The following is an entry in ClinVar:

NM_001276345.2(TNNT2):c.361G>A (p.Glu121Lys)

Gene: TNNT2 (troponin T2, cardiac type; minus strand). Cytogenetic location: 1q32.1.
Variant type: single nucleotide variant.
Coding change: c.361G>A on transcript NM_001276345.2 (MANE Select); coding-DNA position 361, G replaced by A.
Protein change: p.Glu121Lys; replaces glutamic acid 121 with lysine.
Molecular consequence: missense variant. On other transcripts: intron variant (1).
Genome position (GRCh38, 1-based): chr1:201,365,241, C>T on the plus strand (G>A on the coding strand, the complement: TNNT2 is on the minus strand). VCF-style: chr1-201365241-C-T. GRCh37 (hg19) VCF-style: chr1-201334369-C-T.
Other names: c.361G>A, p.Glu121Lys (NM_000364.4, NM_001406723.1); c.331G>A, p.Glu111Lys (NM_001001430.3, NM_001001431.3, NM_001276347.2 and 3 more transcripts); c.316G>A, p.Glu106Lys (NM_001001432.3, NM_001406728.1); c.328G>A, p.Glu110Lys (NM_001406725.1); c.291+369G>A (NM_001276346.2); short protein forms E106K, E110K, E111K, E121K.
Identifiers: ClinVar variation 3763579 (VCV003763579.2).

ClinVar aggregate classification (germline): Uncertain significance (1 of 4 stars; one submission).

Conditions:
Hypertrophic cardiomyopathy 2. Also called: TNNT2-Related Familial Hypertrophic Cardiomyopathy. Identifiers: MedGen C1861864, MONDO:0007266, OMIM 115195.
Cardiomyopathy, familial restrictive, 3. Identifiers: Orphanet 75249, MedGen C2676271, MONDO:0012900, OMIM 612422.
Dilated cardiomyopathy 1D. Identifiers: Orphanet 154, Orphanet 54260, MedGen C1832243, MONDO:0011095, OMIM 601494.

Submission:

Labcorp Genetics (formerly Invitae), Labcorp
Classification: Uncertain significance for Cardiomyopathy, familial restrictive, 3; Hypertrophic cardiomyopathy 2; Dilated cardiomyopathy 1D. Last evaluated: 2024-10-24. Review status: criteria provided, single submitter. Criteria: Invitae Variant Classification Sherloc (09022015). Collection method: clinical testing. Allele origin: germline.
Comment: This sequence change replaces glutamic acid, which is acidic and polar, with lysine, which is basic and polar, at codon 111 of the TNNT2 protein (p.Glu111Lys). This variant is not present in population databases (gnomAD no frequency). This variant has not been reported in the literature in individuals affected with TNNT2-related conditions. Invitae Evidence Modeling of protein sequence and biophysical properties (such as structural, functional, and spatial information, amino acid conservation, physicochemical variation, residue mobility, and thermodynamic stability) indicates that this missense variant is not expected to disrupt TNNT2 protein function with a negative predictive value of 80%. In summary, the available evidence is currently insufficient to determine the role of this variant in disease. Therefore, it has been classified as a Variant of Uncertain Significance.